The following is an entry in ClinVar:

NM_005902.4(SMAD3):c.276G>A (p.Trp92Ter)

Gene: SMAD3 (SMAD family member 3; plus strand). Cytogenetic location: 15q22.33.
Variant type: single nucleotide variant.
Coding change: c.276G>A on transcript NM_005902.4 (MANE Select); coding-DNA position 276, G replaced by A.
Protein change: p.Trp92Ter; replaces tryptophan 92 with a stop codon.
Molecular consequence: nonsense. On other transcripts: 5 prime UTR variant (1).
Genome position (GRCh38, 1-based): chr15:67,164,964, G>A. VCF-style: chr15-67164964-G-A. GRCh37 (hg19) VCF-style: chr15-67457302-G-A.
Other names: c.-40G>A (NM_001145102.2); c.144G>A, p.Trp48Ter (NM_001145103.2); c.276G>A (NM_005902.3); short protein forms W92*, W48*.
Identifiers: ClinVar variation 1401072 (VCV001401072.7), dbSNP rs2140293906, ClinGen allele CA392953902.

ClinVar aggregate classification (germline): Pathogenic. Review status: criteria provided, multiple submitters, no conflicts (2 of 4 stars). 2 submissions from 2 submitters: Pathogenic (2). Last evaluated 2025-05-03.

Conditions:
Familial thoracic aortic aneurysm and aortic dissection (TAAD). Also called: Thoracic aortic aneurysms and dissections. Identifiers: Orphanet 91387, MedGen C4707243, MONDO:0019625.

Submissions (2):

Ambry Genetics
Classification: Pathogenic for Familial thoracic aortic aneurysm and aortic dissection. Last evaluated: 2025-05-03. Review status: criteria provided, single submitter. Criteria: Ambry Variant Classification Scheme 2023. Collection method: clinical testing. Allele origin: germline.
Comment: The p.W92* pathogenic mutation (also known as c.276G>A), located in coding exon 2 of the SMAD3 gene, results from a G to A substitution at nucleotide position 276. This changes the amino acid from a tryptophan to a stop codon within coding exon 2. This variant is considered to be rare based on population cohorts in the Genome Aggregation Database (gnomAD). This alteration is expected to result in loss of function by premature protein truncation or nonsense-mediated mRNA decay. As such, this alteration is interpreted as a disease-causing mutation.

Labcorp Genetics (formerly Invitae), Labcorp
Classification: Pathogenic for Familial thoracic aortic aneurysm and aortic dissection. Last evaluated: 2021-11-25. Review status: criteria provided, single submitter. Criteria: Invitae Variant Classification Sherloc (09022015). Collection method: clinical testing. Allele origin: germline.
Comment: This sequence change creates a premature translational stop signal (p.Trp92*) in the SMAD3 gene. It is expected to result in an absent or disrupted protein product. Loss-of-function variants in SMAD3 are known to be pathogenic (PMID: 21778426, 24804794). This variant is not present in population databases (gnomAD no frequency). This variant has not been reported in the literature in individuals affected with SMAD3-related conditions. For these reasons, this variant has been classified as Pathogenic.

Literature cited by the submitters: PubMed 21778426 (cited by Labcorp Genetics (formerly Invitae), Labcorp); PubMed 24804794 (cited by Labcorp Genetics (formerly Invitae), Labcorp).